The following is an entry in ClinVar:

ClinVar aggregate classification (germline): Likely benign (1 of 4 stars; one submission).

Allele frequency attached by ClinVar (database versions not stated): 1000 Genomes Project 30x 0.00406; 1000 Genomes Project 0.00439; TOPMed 0.00482.
gnomAD v4.1: 1,180 of 1,332,360 alleles (0.089%); highest among the groups gnomAD compares: African/African-American, 1.5%; 9 homozygotes.

Submission:

GeneDx
Classification: Likely benign. Last evaluated: 2018-10-27. Review status: criteria provided, single submitter. Criteria: GeneDx Variant Classification Process June 2021. Collection method: clinical testing. Allele origin: germline. Affected: yes.
Comment: See Variant Classification Assertion Criteria.

NM_017950.4(CCDC40):c.1562+124G>A

Gene: CCDC40 (coiled-coil domain 40 molecular ruler complex subunit; plus strand). Cytogenetic location: 17q25.3.
Variant type: single nucleotide variant.
Coding change: c.1562+124G>A on transcript NM_017950.4 (MANE Select); 124 bases into the intron after coding-DNA position 1562, G replaced by A.
Molecular consequence: intron variant.
Genome position (GRCh38, 1-based): chr17:80,065,730, G>A. VCF-style: chr17-80065730-G-A. GRCh37 (hg19) VCF-style: chr17-78039529-G-A.
Other names: c.1562+124G>A (NM_001243342.2, NM_001330508.2).
Identifiers: ClinVar variation 1707376 (VCV001707376.2), dbSNP rs114587508, ClinGen allele CA294849835.